The following is an entry in ClinVar:

NM_004336.5(BUB1):c.1698+1G>T

Gene: BUB1 (BUB1 mitotic checkpoint serine/threonine kinase; minus strand). Cytogenetic location: 2q13.
Variant type: single nucleotide variant.
Coding change: c.1698+1G>T on transcript NM_004336.5 (MANE Select); the canonical splice donor site of the intron after coding-DNA position 1698, G replaced by T.
Molecular consequence: splice donor variant.
Genome position (GRCh38, 1-based): chr2:110,657,035, C>A on the plus strand (G>T on the coding strand, the complement: BUB1 is on the minus strand). VCF-style: chr2-110657035-C-A. GRCh37 (hg19) VCF-style: chr2-111414612-C-A.
Other names: c.1638+1G>T (NM_001278616.2); c.1698+1G>T (NM_001278617.2).
Identifiers: ClinVar variation 3631220 (VCV003631220.3).

ClinVar aggregate classification (germline): Uncertain significance. Review status: criteria provided, multiple submitters, no conflicts (2 of 4 stars). 2 submissions from 2 submitters: Uncertain significance (2). Last evaluated 2026-01-26.

gnomAD v4.1: 25 of 1,610,864 alleles (0.0016%); highest among the groups gnomAD compares: Non-Finnish European, 0.002%; no homozygotes.

Submissions (2):

Labcorp Genetics (formerly Invitae), Labcorp
Classification: Uncertain significance. Last evaluated: 2026-01-26. Review status: criteria provided, single submitter. Criteria: Invitae Variant Classification Sherloc (09022015). Collection method: clinical testing. Allele origin: germline.
Comment: This sequence change affects a donor splice site in intron 15 of the BUB1 gene. It is expected to disrupt RNA splicing. Variants that disrupt the donor or acceptor splice site typically lead to a loss of protein function (PMID: 16199547), however the current clinical and genetic evidence is not sufficient to establish whether loss-of-function variants in BUB1 cause disease. This variant is present in population databases (rs139690067, gnomAD 0.002%). This variant has not been reported in the literature in individuals affected with BUB1-related conditions. ClinVar contains an entry for this variant (Variation ID: 3631220). Algorithms developed to predict the effect of sequence changes on RNA splicing suggest that this variant may disrupt the consensus splice site. In summary, the available evidence is currently insufficient to determine the role of this variant in disease. Therefore, it has been classified as a Variant of Uncertain Significance.

Women's Health and Genetics/Laboratory Corporation of America, LabCorp
Classification: Uncertain significance. Last evaluated: 2026-01-16. Review status: criteria provided, single submitter. Criteria: LabCorp Variant Classification Summary - May 2015. Collection method: clinical testing. Allele origin: germline.
Comment: Variant summary: BUB1 c.1698+1G>T is located in a canonical splice-site and is predicted to affect mRNA splicing resulting in a significantly altered protein due to either exon skipping, shortening, or inclusion of intronic material. Variants that disrupt the consensus splice site are a relatively common cause of aberrant splicing, however current evidence is not sufficient to establish loss of function as a mechanism for disease. Several computational tools predict a significant impact on normal splicing: Four predict the variant abolishes a 5' splicing donor site. However, these predictions have yet to be confirmed by functional studies. The variant allele was found at a frequency of 8e-06 in 249760 control chromosomes. The available data on variant occurrences in the general population are insufficient to allow any conclusion about variant significance. To our knowledge, no occurrence of c.1698+1G>T in individuals affected with BUB1-related conditions and no experimental evidence demonstrating its impact on protein function have been reported. ClinVar contains an entry for this variant (Variation ID: 3631220). Based on the evidence outlined above, the variant was classified as uncertain significance.

Literature cited by the submitters: PubMed 16199547 (cited by Labcorp Genetics (formerly Invitae), Labcorp).